The following is an entry in ClinVar:

NM_001367624.2(ZNF469):c.5436C>T (p.Asp1812=)

Gene: ZNF469 (zinc finger protein 469; plus strand). Cytogenetic location: 16q24.2.
Variant type: single nucleotide variant.
Coding change: c.5436C>T on transcript NM_001367624.2 (MANE Select); coding-DNA position 5436, C replaced by T.
Protein change: p.Asp1812=; no amino-acid change (aspartic acid 1812 retained).
Molecular consequence: synonymous variant.
Genome position (GRCh38, 1-based): chr16:88,432,906, C>T. VCF-style: chr16-88432906-C-T. GRCh37 (hg19) VCF-style: chr16-88499314-C-T.
Other names: NM_001127464.1:c.5352C>T; NM_001127464.2:c.5352C>T.
Identifiers: ClinVar variation 1747018 (VCV001747018.8), dbSNP rs767773120, ClinGen allele CA8225078.

ClinVar aggregate classification (germline): Likely benign. Review status: criteria provided, multiple submitters, no conflicts (2 of 4 stars). 4 submissions from 4 submitters: Likely benign (3). 1 of the submissions does not count toward it. Last evaluated 2025-11-11.

Conditions:
ZNF469-related disorder. Also called: ZNF469-related condition.
Cardiovascular phenotype. Identifiers: MedGen CN230736.

Allele frequency attached by ClinVar (database versions not stated): gnomAD 0.00019; gnomAD exomes 0.00003; ExAC 0.00006; TOPMed 0.00026.
gnomAD v4.1: 79 of 1,550,250 alleles (0.0051%); highest among the groups gnomAD compares: African/African-American, 0.064%; no homozygotes.

Submissions (4):

Labcorp Genetics (formerly Invitae), Labcorp
Classification: Likely benign. Last evaluated: 2025-11-11. Review status: criteria provided, single submitter. Criteria: Invitae Variant Classification Sherloc (09022015). Collection method: clinical testing. Allele origin: germline.

Women's Health and Genetics/Laboratory Corporation of America, LabCorp
Classification: Likely benign. Last evaluated: 2025-01-14. Review status: criteria provided, single submitter. Criteria: LabCorp Variant Classification Summary - May 2015. Collection method: clinical testing. Allele origin: germline.

Ambry Genetics
Classification: Likely benign for Cardiovascular phenotype. Last evaluated: 2019-10-26. Review status: criteria provided, single submitter. Criteria: Ambry Variant Classification Scheme 2023. Collection method: clinical testing. Allele origin: germline.

PreventionGenetics, part of Exact Sciences
Classification: Likely benign for ZNF469-related condition. Last evaluated: 2024-04-09. Review status: no assertion criteria provided. Collection method: clinical testing. Allele origin: germline. Not counted in ClinVar's aggregate classification.
Comment: This variant is classified as likely benign based on ACMG/AMP sequence variant interpretation guidelines (Richards et al. 2015 PMID: 25741868, with internal and published modifications).